The following is an entry in ClinVar:

NC_000010.10:g.(?_112590799)_(112590960_?)del

Gene: RBM20 (RNA binding motif protein 20; plus strand). Cytogenetic location: 10q25.2.
Variant type: Deletion.
Identifiers: ClinVar variation 3244892 (VCV003244892.1).

ClinVar aggregate classification (germline): Uncertain significance (1 of 4 stars; one submission).

Conditions:
Dilated cardiomyopathy 1DD (CMD1DD). Identifiers: Orphanet 154, MedGen C2750995, MONDO:0013168, OMIM 613172.

Submission:

Labcorp Genetics (formerly Invitae), Labcorp
Classification: Uncertain significance for Dilated cardiomyopathy 1DD. Last evaluated: 2023-07-03. Review status: criteria provided, single submitter. Criteria: Invitae Variant Classification Sherloc (09022015). Collection method: clinical testing. Allele origin: unknown.
Comment: This variant has not been reported in the literature in individuals affected with RBM20-related conditions. In summary, the available evidence is currently insufficient to determine the role of this variant in disease. Therefore, it has been classified as a Variant of Uncertain Significance. This variant is a gross deletion of the genomic region encompassing exon(s) 13 of the RBM20 gene. This deletion is out-of-frame, and is expected to create a premature translational stop signal and result in an absent or disrupted protein product. However, the current clinical and genetic evidence is not sufficient to establish whether loss-of-function variants in RBM20 cause disease.